The following is an entry in ClinVar:

ClinVar aggregate classification (germline): Benign (1 of 4 stars; one submission).

Conditions:
Familial adenomatous polyposis 1 (FAP1). Also called: FAMILIAL ADENOMATOUS POLYPOSIS 1, ATTENUATED; POLYPOSIS, ADENOMATOUS INTESTINAL. Identifiers: MedGen C2713442, MONDO:0021056, OMIM 175100. Disease mechanism: loss of function.

gnomAD v4.1: 1 of 1,613,976 alleles (0.000062%); highest among the groups gnomAD compares: South Asian, 0.0011%; no homozygotes.

Submission:

Myriad Genetics, Inc.
Classification: Benign for Familial adenomatous polyposis 1. Last evaluated: 2024-04-08. Review status: criteria provided, single submitter. Criteria: Myriad Autosomal Dominant, Autosomal Recessive and X-Linked Classification Criteria (2023). Collection method: clinical testing. Allele origin: unknown.
Comment: This variant is considered benign. This variant is a silent/synonymous amino acid change and it is not expected to impact splicing.

NM_000038.6(APC):c.6906A>G (p.Ser2302=)

Gene: APC (APC regulator of Wnt signaling pathway; plus strand). Cytogenetic location: 5q22.2.
Variant type: single nucleotide variant.
Coding change: c.6906A>G on transcript NM_000038.6 (MANE Select); coding-DNA position 6906, A replaced by G.
Protein change: p.Ser2302=; no amino-acid change (serine 2302 retained).
Molecular consequence: synonymous variant. On other transcripts: non-coding transcript variant (2).
Genome position (GRCh38, 1-based): chr5:112,842,500, A>G. VCF-style: chr5-112842500-A-G. GRCh37 (hg19) VCF-style: chr5-112178197-A-G.
Other names: c.5754A>G, p.Ser1918= (NM_001407471.1, NM_001407472.1); c.6906A>G, p.Ser2302= (NM_001127510.3, NM_001354895.2, NM_001407450.1); c.6852A>G, p.Ser2284= (NM_001127511.3); c.6960A>G, p.Ser2320= (NM_001354896.2, NM_001407447.1, NM_001407448.1 and 1 more transcripts); c.6936A>G, p.Ser2312= (NM_001354897.2); c.6831A>G, p.Ser2277= (NM_001354898.2); c.6822A>G, p.Ser2274= (NM_001354899.2); c.6783A>G, p.Ser2261= (NM_001354900.2); and 11 more.
Identifiers: ClinVar variation 3254054 (VCV003254054.1), dbSNP rs1766330352.